The following is an entry in ClinVar:

ClinVar aggregate classification (germline): Uncertain significance. Review status: criteria provided, multiple submitters, no conflicts (2 of 4 stars). 2 submissions from 2 submitters: Uncertain significance (2). Last evaluated 2025-10-30.

Conditions:
Emery-Dreifuss muscular dystrophy 5, autosomal dominant (EDMD5). Also called: EMERY-DREIFUSS MUSCULAR DYSTROPHY 5. Identifiers: Orphanet 261, MedGen C2751805, MONDO:0013072, OMIM 612999.

gnomAD v4.1: 3 of 1,614,102 alleles (0.00019%); highest among the groups gnomAD compares: Non-Finnish European, 0.00025%; no homozygotes.

Submissions (2):

Ambry Genetics
Classification: Uncertain significance. Last evaluated: 2025-10-30. Review status: criteria provided, single submitter. Criteria: Ambry Variant Classification Scheme 2023. Collection method: clinical testing. Allele origin: germline.

Labcorp Genetics (formerly Invitae), Labcorp
Classification: Uncertain significance for Emery-Dreifuss muscular dystrophy 5, autosomal dominant. Last evaluated: 2023-05-21. Review status: criteria provided, single submitter. Criteria: Invitae Variant Classification Sherloc (09022015). Collection method: clinical testing. Allele origin: germline.
Comment: This sequence change replaces arginine, which is basic and polar, with serine, which is neutral and polar, at codon 5153 of the SYNE2 protein (p.Arg5153Ser). This variant is present in population databases (no rsID available, gnomAD 0.0009%). This variant has not been reported in the literature in individuals affected with SYNE2-related conditions. An algorithm developed to predict the effect of missense changes on protein structure and function (PolyPhen-2) suggests that this variant is likely to be disruptive. In summary, the available evidence is currently insufficient to determine the role of this variant in disease. Therefore, it has been classified as a Variant of Uncertain Significance.

NM_182914.3(SYNE2):c.15457C>A (p.Arg5153Ser)

Gene: SYNE2 (spectrin repeat containing nuclear envelope protein 2; plus strand). Cytogenetic location: 14q23.2.
Variant type: single nucleotide variant.
Coding change: c.15457C>A on transcript NM_182914.3 (MANE Select); coding-DNA position 15457, C replaced by A.
Protein change: p.Arg5153Ser; replaces arginine 5153 with serine.
Molecular consequence: missense variant.
Genome position (GRCh38, 1-based): chr14:64,143,922, C>A. VCF-style: chr14-64143922-C-A. GRCh37 (hg19) VCF-style: chr14-64610640-C-A.
Other names: c.15457C>A, p.Arg5153Ser (NM_015180.6); c.15457C>A (NM_182914.2); short protein forms R5153S.
Identifiers: ClinVar variation 2847158 (VCV002847158.4), dbSNP rs770267414, ClinGen allele CA389944385.